The following is an entry in ClinVar:

ClinVar aggregate classification (germline): Likely benign. Review status: criteria provided, multiple submitters, no conflicts (2 of 4 stars). 2 submissions from 2 submitters: Likely benign (2). Last evaluated 2024-12-31.

Conditions:
RAI1-related disorder. Also called: RAI1-related condition.

Allele frequency attached by ClinVar (database versions not stated): gnomAD exomes below 0.00001 and 0.00001; gnomAD 0.00001; ExAC 0.00002; TOPMed 0.00003.
gnomAD v4.1: 7 of 1,613,252 alleles (0.00043%); highest among the groups gnomAD compares: East Asian, 0.0067%; no homozygotes.

Submissions (2):

PreventionGenetics, part of Exact Sciences
Classification: Likely benign for RAI1-related condition. Last evaluated: 2024-12-31. Review status: criteria provided, single submitter. Criteria: ACMG Guidelines, 2015. Collection method: clinical testing. Allele origin: germline.
Comment: This variant is classified as likely benign based on ACMG/AMP sequence variant interpretation guidelines (Richards et al. 2015 PMID: 25741868, with internal and published modifications).

Labcorp Genetics (formerly Invitae), Labcorp
Classification: Likely benign. Last evaluated: 2024-02-15. Review status: criteria provided, single submitter. Criteria: Invitae Variant Classification Sherloc (09022015). Collection method: clinical testing. Allele origin: germline.

NM_030665.4(RAI1):c.3807C>T (p.Leu1269=)

Gene: RAI1 (retinoic acid induced 1; plus strand). Cytogenetic location: 17p11.2.
Variant type: single nucleotide variant.
Coding change: c.3807C>T on transcript NM_030665.4 (MANE Select); coding-DNA position 3807, C replaced by T.
Protein change: p.Leu1269=; no amino-acid change (leucine 1269 retained).
Molecular consequence: synonymous variant.
Genome position (GRCh38, 1-based): chr17:17,796,755, C>T. VCF-style: chr17-17796755-C-T. GRCh37 (hg19) VCF-style: chr17-17700069-C-T.
Other names: c.3807C>T (NM_030665.3).
Identifiers: ClinVar variation 1620455 (VCV001620455.9), dbSNP rs758692261, ClinGen allele CA8418825.